The following is an entry in ClinVar:

NM_020911.2(PLXNA4):c.3858C>T (p.Ala1286=)

Gene: PLXNA4 (plexin A4; minus strand). Cytogenetic location: 7q32.3.
Variant type: single nucleotide variant.
Coding change: c.3858C>T on transcript NM_020911.2 (MANE Select); coding-DNA position 3858, C replaced by T.
Protein change: p.Ala1286=; no amino-acid change (alanine 1286 retained).
Molecular consequence: synonymous variant.
Genome position (GRCh38, 1-based): chr7:132,179,703, G>A on the plus strand (C>T on the coding strand, the complement: PLXNA4 is on the minus strand). VCF-style: chr7-132179703-G-A. GRCh37 (hg19) VCF-style: chr7-131864462-G-A.
Other names: c.3858C>T, p.Ala1286= (NM_001393897.1).
Identifiers: ClinVar variation 4999490 (VCV004999490.1).

ClinVar aggregate classification (germline): Likely benign (1 of 4 stars; one submission).

Conditions:
PLXNA4-related disorder. Also called: PLXNA4-related condition.

Submission:

PreventionGenetics, part of Exact Sciences
Classification: Likely benign for PLXNA4-related condition. Last evaluated: 2025-08-02. Review status: criteria provided, single submitter. Criteria: ACMG Guidelines, 2015. Collection method: clinical testing. Allele origin: germline.
Comment: This variant is classified as likely benign based on ACMG/AMP sequence variant interpretation guidelines (Richards et al. 2015 PMID: 25741868, with internal and published modifications).